The following is an entry in ClinVar:

ClinVar aggregate classification (germline): Pathogenic/Likely pathogenic. Review status: criteria provided, multiple submitters, no conflicts (2 of 4 stars). 4 submissions from 4 submitters: Pathogenic (1); Likely pathogenic (3). Last evaluated 2025-07-29.

Conditions:
TUBA1A-related disorder. Also called: TUBA1A-related condition.
Tubulinopathy-associated dysgyria. Identifiers: Orphanet 467166, MedGen C5568850, MONDO:0018763.
Lissencephaly due to TUBA1A mutation (CDCBM16). Also called: Lissencephaly 3; CORTICAL DYSPLASIA, COMPLEX, WITH OTHER BRAIN MALFORMATIONS 16. Identifiers: Orphanet 171680, MedGen C4305153, MONDO:0012703, OMIM 611603.

Submissions (4):

GeneDx
Classification: Pathogenic. Last evaluated: 2025-07-29. Review status: criteria provided, single submitter. Criteria: GeneDx Variant Classification Process June 2021. Collection method: clinical testing. Allele origin: germline. Affected: yes.
Comment: Not observed at significant frequency in large population cohorts (gnomAD); Missense variants in this gene are a common cause of disease and they are underrepresented in the general population; In silico analysis suggests that this missense variant does not alter protein structure/function; This variant is associated with the following publications: (PMID: Fasham2025[preprint], 35017693)

Blueprint Genetics
Classification: Likely pathogenic for TUBA1A-related disorders. Last evaluated: 2023-06-29. Review status: criteria provided, single submitter. Criteria: ACMG Guidelines, 2015. Collection method: clinical testing. Allele origin: germline. Affected: yes. Observed: 1 variant allele.

Center for Pediatrics and Adolescent Medicine, University Hospital Heidelberg
Classification: Likely pathogenic for Tubulinopathy-associated dysgyria. Last evaluated: 2021-11-01. Review status: criteria provided, single submitter. Criteria: ACMG Guidelines, 2015. Collection method: research. Allele origin: de novo. Inheritance: Autosomal dominant inheritance. Affected: yes. Observed: 1 heterozygote. Segregation with disease not observed.

Juno Genomics, Hangzhou Juno Genomics, Inc
Classification: Likely pathogenic for Lissencephaly due to TUBA1A mutation. Review status: criteria provided, single submitter. Criteria: ACMG Guidelines, 2015. Collection method: clinical testing. Allele origin: germline. Affected: yes.
Comment: Absent from controls (or at extremely low frequency if recessive) in Genome Aggregation Database.;Multiple lines of computational evidence support a deleterious effect on the gene or gene product.;Missense variant in a gene that has a low rate of benign missense variation.;The prevalence of the variant in affected individuals is significantly increased compared to the prevalence in controls.;De novo (both maternity and paternity confirmed) in a patient with the disease and no family history.;Patient's phenotype or family history is highly specific for a disease with a single genetic etiology.

NM_006009.4(TUBA1A):c.967G>A (p.Val323Met)

Gene: TUBA1A (tubulin alpha 1a; minus strand). Cytogenetic location: 12q13.12.
Variant type: single nucleotide variant.
Coding change: c.967G>A on transcript NM_006009.4 (MANE Select); coding-DNA position 967, G replaced by A.
Protein change: p.Val323Met; replaces valine 323 with methionine.
Molecular consequence: missense variant.
Genome position (GRCh38, 1-based): chr12:49,185,399, C>T on the plus strand (G>A on the coding strand, the complement: TUBA1A is on the minus strand). VCF-style: chr12-49185399-C-T. GRCh37 (hg19) VCF-style: chr12-49579182-C-T.
Other names: c.967G>A, p.Val323Met (NM_001270399.2); c.862G>A, p.Val288Met (NM_001270400.2); short protein forms V288M, V323M.
Identifiers: ClinVar variation 1206718 (VCV001206718.8), dbSNP rs2121242709, ClinGen allele CA384637722.